The following is an entry in ClinVar:

ClinVar aggregate classification (germline): Uncertain significance (0 of 4 stars; one submission).

Conditions:
KMT2C-related disorder. Also called: KMT2C-related disorders; KMT2C-related condition.

gnomAD v4.1: 3 of 1,614,234 alleles (0.00019%); highest among the groups gnomAD compares: Non-Finnish European, 0.00025%; no homozygotes.

Submission:

PreventionGenetics, part of Exact Sciences
Classification: Uncertain significance for KMT2C-related condition. Last evaluated: 2024-09-09. Review status: no assertion criteria provided. Collection method: clinical testing. Allele origin: germline.
Comment: The KMT2C c.11224A>G variant is predicted to result in the amino acid substitution p.Ser3742Gly. To our knowledge, this variant has not been reported in the literature or in a large population database, indicating this variant is rare. At this time, the clinical significance of this variant is uncertain due to the absence of conclusive functional and genetic evidence.

NM_170606.3(KMT2C):c.11224A>G (p.Ser3742Gly)

Gene: KMT2C (lysine methyltransferase 2C; minus strand). Cytogenetic location: 7q36.1.
Variant type: single nucleotide variant.
Coding change: c.11224A>G on transcript NM_170606.3 (MANE Select); coding-DNA position 11224, A replaced by G.
Protein change: p.Ser3742Gly; replaces serine 3742 with glycine.
Molecular consequence: missense variant.
Genome position (GRCh38, 1-based): chr7:152,162,353, T>C on the plus strand (A>G on the coding strand, the complement: KMT2C is on the minus strand). VCF-style: chr7-152162353-T-C. GRCh37 (hg19) VCF-style: chr7-151859438-T-C.
Other names: short protein forms S3742G.
Identifiers: ClinVar variation 3354706 (VCV003354706.1).